The following is an entry in ClinVar:

ClinVar aggregate classification (germline): Likely benign (1 of 4 stars; one submission).

Allele frequency attached by ClinVar (database versions not stated): ExAC 0.00001; gnomAD 0.00002; TOPMed 0.00005.

Submission:

CeGaT Center for Human Genetics Tuebingen
Classification: Likely benign. Last evaluated: 2024-03-01. Review status: criteria provided, single submitter. Criteria: CeGaT Center For Human Genetics Tuebingen Variant Classification Criteria Version 2. Collection method: clinical testing. Allele origin: germline. Affected: yes. Observed: 1 variant allele.
Comment: ATN1: BP4, BP7

NM_001940.4(ATN1):c.3327C>T (p.His1109=)

Gene: ATN1 (atrophin 1; plus strand). Cytogenetic location: 12p13.31.
Variant type: single nucleotide variant.
Coding change: c.3327C>T on transcript NM_001940.4 (MANE Select); coding-DNA position 3327, C replaced by T.
Protein change: p.His1109=; no amino-acid change (histidine 1109 retained).
Molecular consequence: synonymous variant.
Genome position (GRCh38, 1-based): chr12:6,940,992, C>T. VCF-style: chr12-6940992-C-T. GRCh37 (hg19) VCF-style: chr12-7050155-C-T.
Other names: c.3327C>T, p.His1109= (NM_001007026.2, NM_001424176.1, NM_001424177.1 and 1 more transcripts); c.3324C>T, p.His1108= (NM_001424179.1, NM_001424180.1); c.3306C>T, p.His1102= (NM_001424181.1); c.3303C>T, p.His1101= (NM_001424182.1).
Identifiers: ClinVar variation 3067211 (VCV003067211.21), dbSNP rs782316152, ClinGen allele CA6420979.